The following is an entry in ClinVar:

NM_014141.6(CNTNAP2):c.*678G>C

Gene: CNTNAP2 (contactin associated protein 2; plus strand). Cytogenetic location: 7q36.1.
Variant type: single nucleotide variant.
Coding change: c.*678G>C on transcript NM_014141.6 (MANE Select); 678 bases downstream of the stop codon, G replaced by C.
Molecular consequence: 3 prime UTR variant.
Genome position (GRCh38, 1-based): chr7:148,416,294, G>C. VCF-style: chr7-148416294-G-C. GRCh37 (hg19) VCF-style: chr7-148113386-G-C.
Identifiers: ClinVar variation 910403 (VCV000910403.4), dbSNP rs2717809, ClinGen allele CA168856752.

ClinVar aggregate classification (germline): Benign (1 of 4 stars; one submission).

Conditions:
Cortical dysplasia-focal epilepsy syndrome (PTHSL1). Also called: Pitt-Hopkins-like syndrome 1. Identifiers: Orphanet 163681, Orphanet 221150, MedGen C2750246, MONDO:0012400, OMIM 610042.

Allele frequency attached by ClinVar (database versions not stated): 1000 Genomes Project 0.00779; 1000 Genomes Project 30x 0.00890; gnomAD 0.01366 and 0.01414; TOPMed 0.01457; gnomAD exomes 0.01515.
gnomAD v4.1: 2,102 of 152,466 alleles (1.4%); highest among the groups gnomAD compares: Non-Finnish European, 2.2%; 22 homozygotes.

Submission:

Illumina Laboratory Services, Illumina
Classification: Benign for Cortical dysplasia-focal epilepsy syndrome. Last evaluated: 2018-01-13. Review status: criteria provided, single submitter. Criteria: ICSL Variant Classification Criteria 13 December 2019. Collection method: clinical testing. Allele origin: germline.
Comment: This variant was observed in the ICSL laboratory as part of a predisposition screen in an ostensibly healthy population. It had not been previously curated by ICSL or reported in the Human Gene Mutation Database (HGMD: prior to June 1st, 2018), and was therefore a candidate for classification through an automated scoring system. Utilizing variant allele frequency, disease prevalence and penetrance estimates, and inheritance mode, an automated score was calculated to assess if this variant is too frequent to cause the disease. Based on the score and internal cut-off values, a variant classified as benign is not then subjected to further curation. The score for this variant resulted in a classification of benign for this disease.